The following is an entry in ClinVar:

NM_001142800.2(EYS):c.7608C>T (p.Ile2536=)

Gene: EYS (EGF-like photoreceptor maintenance factor; minus strand). Cytogenetic location: 6q12.
Variant type: single nucleotide variant.
Coding change: c.7608C>T on transcript NM_001142800.2 (MANE Select); coding-DNA position 7608, C replaced by T.
Protein change: p.Ile2536=; no amino-acid change (isoleucine 2536 retained).
Molecular consequence: synonymous variant.
Genome position (GRCh38, 1-based): chr6:63,788,220, G>A on the plus strand (C>T on the coding strand, the complement: EYS is on the minus strand). VCF-style: chr6-63788220-G-A. GRCh37 (hg19) VCF-style: chr6-64498113-G-A.
Other names: c.7608C>T, p.Ile2536= (NM_001292009.2).
Identifiers: ClinVar variation 744711 (VCV000744711.38), dbSNP rs562496683, ClinGen allele CA3876793.

ClinVar aggregate classification (germline): Likely benign. Review status: criteria provided, multiple submitters, no conflicts (2 of 4 stars). 5 submissions from 5 submitters: Likely benign (3). 2 of the submissions do not count toward it. Last evaluated 2026-10-01.

Allele frequency attached by ClinVar (database versions not stated): ExAC 0.00005; gnomAD 0.00009 and 0.00011; gnomAD exomes 0.00009 and 0.00016; TOPMed 0.00019; 1000 Genomes Project 0.00040; 1000 Genomes Project 30x 0.00047.
gnomAD v4.1: 170 of 1,537,920 alleles (0.011%); highest among the groups gnomAD compares: Admixed American, 0.078%; no homozygotes.

Submissions (5):

CeGaT Center for Human Genetics Tuebingen
Classification: Likely benign. Last evaluated: 2026-10-01. Review status: criteria provided, single submitter. Criteria: CeGaT Center For Human Genetics Tuebingen Variant Classification Criteria Version 2. Collection method: clinical testing. Allele origin: germline. Affected: yes. Observed: 3 variant alleles.
Comment: EYS: BP4, BP7

Labcorp Genetics (formerly Invitae), Labcorp
Classification: Likely benign. Last evaluated: 2025-10-07. Review status: criteria provided, single submitter. Criteria: Invitae Variant Classification Sherloc (09022015). Collection method: clinical testing. Allele origin: germline.

Blueprint Genetics
Classification: Likely benign. Last evaluated: 2024-11-21. Review status: criteria provided, single submitter. Criteria: ACMG Guidelines, 2015. Collection method: clinical testing. Allele origin: germline.

Clinical Genetics DNA and cytogenetics Diagnostics Lab, Erasmus MC, Erasmus Medical Center
Classification: Likely benign. Review status: no assertion criteria provided. Collection method: clinical testing. Allele origin: germline. Affected: yes. Study: VKGL Data-share Consensus. Not counted in ClinVar's aggregate classification.

Clinical Genetics, Academic Medical Center
Classification: Benign. Review status: no assertion criteria provided. Collection method: clinical testing. Allele origin: germline. Affected: yes. Study: VKGL Data-share Consensus. Not counted in ClinVar's aggregate classification.